The following is an entry in ClinVar:

ClinVar aggregate classification (germline): Uncertain significance (1 of 4 stars; one submission).

Submission:

Labcorp Genetics (formerly Invitae), Labcorp
Classification: Uncertain significance. Last evaluated: 2022-07-12. Review status: criteria provided, single submitter. Criteria: Invitae Variant Classification Sherloc (09022015). Collection method: clinical testing. Allele origin: germline.
Comment: In summary, the available evidence is currently insufficient to determine the role of this variant in disease. Therefore, it has been classified as a Variant of Uncertain Significance. Algorithms developed to predict the effect of missense changes on protein structure and function (SIFT, PolyPhen-2, Align-GVGD) all suggest that this variant is likely to be tolerated. ClinVar contains an entry for this variant (Variation ID: 1518429). This sequence change replaces glutamine, which is neutral and polar, with histidine, which is basic and polar, at codon 118 of the TUB protein (p.Gln118His). This variant is not present in population databases (gnomAD no frequency). This variant has not been reported in the literature in individuals affected with TUB-related conditions.

NM_177972.3(TUB):c.189G>T (p.Gln63His)

Gene: TUB (TUB bipartite transcription factor; plus strand). Cytogenetic location: 11p15.4.
Variant type: single nucleotide variant.
Coding change: c.189G>T on transcript NM_177972.3 (MANE Select); coding-DNA position 189, G replaced by T.
Protein change: p.Gln63His; replaces glutamine 63 with histidine.
Molecular consequence: missense variant.
Genome position (GRCh38, 1-based): chr11:8,090,167, G>T. VCF-style: chr11-8090167-G-T. GRCh37 (hg19) VCF-style: chr11-8111714-G-T.
Other names: c.354G>T, p.Gln118His (NM_003320.5); short protein forms Q63H, Q118H.
Identifiers: ClinVar variation 1518429 (VCV001518429.6), dbSNP rs2133833901, ClinGen allele CA379562930.